The following is an entry in ClinVar:

NM_018076.5(ODAD2):c.866C>A (p.Ser289Ter)

Gene: ODAD2 (outer dynein arm docking complex subunit 2; minus strand). Cytogenetic location: 10p12.1.
Variant type: single nucleotide variant.
Coding change: c.866C>A on transcript NM_018076.5 (MANE Select); coding-DNA position 866, C replaced by A.
Protein change: p.Ser289Ter; replaces serine 289 with a stop codon.
Molecular consequence: nonsense. On other transcripts: 5 prime UTR variant (2).
Genome position (GRCh38, 1-based): chr10:27,981,536, G>T on the plus strand (C>A on the coding strand, the complement: ODAD2 is on the minus strand). VCF-style: chr10-27981536-G-T. GRCh37 (hg19) VCF-style: chr10-28270465-G-T.
Other names: c.866C>A, p.Ser289Ter (NM_001290020.2); c.-258C>A (NM_001290021.2); c.-59C>A (NM_001312689.2); short protein forms S289*.
Identifiers: ClinVar variation 3700852 (VCV003700852.2).

ClinVar aggregate classification (germline): Pathogenic (1 of 4 stars; one submission).

Conditions:
Primary ciliary dyskinesia 23 (CILD23). Also called: CILIARY DYSKINESIA, PRIMARY, 23, WITH OR WITHOUT SITUS INVERSUS. Identifiers: Orphanet 244, MedGen C3809548, MONDO:0014193, OMIM 615451.

gnomAD v4.1: 1 of 1,537,472 alleles (0.000065%); highest among the groups gnomAD compares: Non-Finnish European, 0.000087%; no homozygotes.

Submission:

Labcorp Genetics (formerly Invitae), Labcorp
Classification: Pathogenic for Primary ciliary dyskinesia 23. Last evaluated: 2024-02-02. Review status: criteria provided, single submitter. Criteria: Invitae Variant Classification Sherloc (09022015). Collection method: clinical testing. Allele origin: germline.
Comment: This sequence change creates a premature translational stop signal (p.Ser289*) in the ARMC4 gene. It is expected to result in an absent or disrupted protein product. Loss-of-function variants in ARMC4 are known to be pathogenic (PMID: 23849778). The frequency data for this variant in the population databases is considered unreliable, as metrics indicate poor data quality at this position in the gnomAD database. This variant has not been reported in the literature in individuals affected with ARMC4-related conditions. For these reasons, this variant has been classified as Pathogenic.

Literature cited by the submitters: PubMed 23849778.